The following is an entry in ClinVar:

NM_000474.4(TWIST1):c.347G>C (p.Arg116Pro)

Gene: TWIST1 (twist family bHLH transcription factor 1; minus strand). Cytogenetic location: 7p21.1.
Variant type: single nucleotide variant.
Coding change: c.347G>C on transcript NM_000474.4 (MANE Select); coding-DNA position 347, G replaced by C.
Protein change: p.Arg116Pro; replaces arginine 116 with proline.
Molecular consequence: missense variant. On other transcripts: non-coding transcript variant (1).
Genome position (GRCh38, 1-based): chr7:19,116,975, C>G on the plus strand (G>C on the coding strand, the complement: TWIST1 is on the minus strand). VCF-style: chr7-19116975-C-G. GRCh37 (hg19) VCF-style: chr7-19156598-C-G.
Other names: short protein forms R116P.
Identifiers: ClinVar variation 2093953 (VCV002093953.4), dbSNP rs2486049902, ClinGen allele CA367015632.

ClinVar aggregate classification (germline): Pathogenic (1 of 4 stars; one submission).

Conditions:
Saethre-Chotzen syndrome (SCS). Also called: ACROCEPHALY, SKULL ASYMMETRY, AND MILD SYNDACTYLY; ACS III; CHOTZEN SYNDROME. Identifiers: Orphanet 794, MedGen C0175699, MONDO:0007042, OMIM 101400.
TWIST1-related craniosynostosis (CRS1). Also called: CRANIOSYNOSTOSIS 1. Identifiers: Orphanet 63440, MedGen C4551902, MONDO:0007399, OMIM 123100. Inheritance: Heterogenous inheritance pattern.

Submission:

Labcorp Genetics (formerly Invitae), Labcorp
Classification: Pathogenic for TWIST1-related craniosynostosis; Saethre-Chotzen syndrome. Last evaluated: 2022-03-14. Review status: criteria provided, single submitter. Criteria: Invitae Variant Classification Sherloc (09022015). Collection method: clinical testing. Allele origin: germline.
Comment: For these reasons, this variant has been classified as Pathogenic. This variant disrupts the p.Arg116 amino acid residue in TWIST1. Other variant(s) that disrupt this residue have been determined to be pathogenic (PMID: 15923834, 21520333; Invitae). This suggests that this residue is clinically significant, and that variants that disrupt this residue are likely to be disease-causing. Algorithms developed to predict the effect of missense changes on protein structure and function (SIFT, PolyPhen-2, Align-GVGD) all suggest that this variant is likely to be disruptive. This missense change has been observed in individual(s) with TWIST1-related conditions (Invitae). In at least one individual the variant was observed to be de novo. This variant is not present in population databases (gnomAD no frequency). This sequence change replaces arginine, which is basic and polar, with proline, which is neutral and non-polar, at codon 116 of the TWIST1 protein (p.Arg116Pro).

Literature cited by the submitters: PubMed 15923834; PubMed 21520333.